The following is an entry in ClinVar:

NM_016239.4(MYO15A):c.6194del (p.Met2065fs)

Gene: MYO15A (myosin XVA; plus strand). Cytogenetic location: 17p11.2.
Variant type: Deletion.
Coding change: c.6194del on transcript NM_016239.4 (MANE Select); coding-DNA position 6194, one base deleted (T; older notation c.6194delT).
Protein change: p.Met2065fs; shifts the reading frame from methionine 2065.
Molecular consequence: frameshift variant.
Genome position (GRCh38, 1-based): chr17:18,144,513, T deleted. VCF-style (leftmost placement, unchanged base first): chr17-18144512-AT-A. GRCh37 (hg19) VCF-style: chr17-18047826-AT-A.
Other names: c.6194delT (NM_016239.4); short protein forms M2065fs.
Identifiers: ClinVar variation 2445655 (VCV002445655.1), dbSNP rs2545268569, ClinGen allele CA2580092656.

ClinVar aggregate classification (germline): Pathogenic (1 of 4 stars; one submission).

Conditions:
Autosomal recessive nonsyndromic hearing loss 3. Also called: NEUROSENSORY NONSYNDROMIC RECESSIVE DEAFNESS 3. Identifiers: Orphanet 90636, MedGen C1838263, MONDO:0010860, OMIM 600316.

Allele frequency attached by ClinVar (database versions not stated): gnomAD exomes 0.00001.

Submission:

King Laboratory, University of Washington
Classification: Pathogenic for Autosomal recessive nonsyndromic hearing loss 3. Last evaluated: 2023-02-28. Review status: criteria provided, single submitter. Criteria: Li et al. (Genet Med. 2022). Collection method: research. Allele origin: unknown. Affected: yes.
Comment: This variant occurred in compound heterozygosity with a MYO15A missense variant in a patient with bilateral sensorineural hearing loss of onset <18 years, in a study of pediatric hearing loss conducted by the King Laboratory (Carlson RJ et al. JAMA-OtoHNS 2023). This patient has a maternal 2nd uncle and 2nd cousin with profound childhood-onset hearing loss, and the family has no other history of hearing loss. This variant is a single base pair deletion that leads to frameshift which is predicted to lead to a premature stop at codon 2066 of the otherwise 3530-amino acid protein. As of January 2023, this variant has not been reported to ClinVar and is not found on gnomAD. Based on the prediction that this variant leads to a truncated protein and goodness of fit of genotype to phenotype, we conclude that this variant is pathogenic.

Literature cited by the submitters: PubMed 36633841.